The following is an entry in ClinVar:

ClinVar aggregate classification (germline): Pathogenic (1 of 4 stars; one submission).

Conditions:
Mucopolysaccharidosis, MPS-II (MPS2). Also called: Hunter Syndrome; IDURONATE 2-SULFATASE DEFICIENCY; Mucopolysaccharidosis Type II; Mucopolysaccharidosis type 2; Attenuated MPS (subtype; formerly known as mild MPS II); Severe MPS II. Identifiers: Orphanet 580, Orphanet 79388, MedGen C0026705, MONDO:0010674, OMIM 309900.

Submission:

Laboratory of Diagnosis and Therapy of Lysosomal Disorders, University of Padova
Classification: Pathogenic for Mucopolysaccharidosis, MPS-II. Last evaluated: 2024-06-07. Review status: criteria provided, single submitter. Criteria: ACMG Guidelines, 2015. Collection method: literature only. Allele origin: germline. Affected: yes. Observed: 1 variant allele.
Comment: Null variant (PVS1_VeryStrong), Absent from controls (or at low frequency) in gnomAD database (PM2_Moderate), Patient’s phenotype or family history highly specific for the disease (PP4_Strong)

Classification method: ACMG Guidelines [PMID:25741868] with modifications

Literature cited by the submitters: PubMed 17657858.

NM_000202.8(IDS):c.939_954del (p.Leu314fs)

Genes: IDS (iduronate 2-sulfatase; minus strand), LOC106050102 (IDS recombination region; plus strand). Cytogenetic location: Xq28.
Variant type: Deletion.
Coding change: c.939_954del on transcript NM_000202.8 (MANE Select); coding-DNA positions 939 to 954, 16 bases deleted (CCTCTTGAGTGCTTTG).
Protein change: p.Leu314fs; shifts the reading frame from leucine 314.
Molecular consequence: frameshift variant. On other transcripts: non-coding transcript variant (1).
Genome position (GRCh38, 1-based): chrX:149,490,366-149,490,381, CAAAGCACTCAAGAGG deleted on the plus strand (CCTCTTGAGTGCTTTG on the coding strand, the reverse complement: IDS is on the minus strand); deleting any 16 consecutive bases within chrX:149,490,366-149,490,382 gives the same sequence; the c. name uses the placement nearest the transcript's 3' end. VCF-style (leftmost placement, unchanged base first): chrX-149490365-CCAAAGCACTCAAGAGG-C. GRCh37 (hg19) VCF-style: chrX-148571896-CCAAAGCACTCAAGAGG-C.
Other names: c.669_684del, p.Leu224fs (NM_001166550.4); c.939_954del, p.Leu314fs (NM_006123.5); short protein forms L224fs, L314fs.
Identifiers: ClinVar variation 3255888 (VCV003255888.2).
Genomic context (GRCh38, chrX:149,490,365, plus strand): 5'-AATGCTTACCATGATCCGAGGTAAATGCAATGATGGTGCTGTTGGCCAGCTGAAGATCGT[CCAAAGCACTCAAGAGG>C]CGGCCGACCTGTGTATCCAAATATGACACAGAGGCAAAGTAGCTCTGGCGGATTTTCCGC-3'